The following is an entry in ClinVar:

NM_015967.8(PTPN22):c.796C>T (p.Arg266Trp)

Genes: AP4B1-AS1 (AP4B1 antisense RNA 1; plus strand), PTPN22 (protein tyrosine phosphatase non-receptor type 22; minus strand). Cytogenetic location: 1p13.2.
Variant type: single nucleotide variant.
Coding change: c.796C>T on transcript NM_015967.8 (MANE Select); coding-DNA position 796, C replaced by T.
Protein change: p.Arg266Trp; replaces arginine 266 with tryptophan.
Molecular consequence: missense variant. On other transcripts: intron variant (1).
Genome position (GRCh38, 1-based): chr1:113,852,059, G>A on the plus strand (C>T on the coding strand, the complement: PTPN22 is on the minus strand). VCF-style: chr1-113852059-G-A. GRCh37 (hg19) VCF-style: chr1-114394681-G-A.
Other names: c.796C>T, p.Arg266Trp (NM_001193431.3); c.724C>T, p.Arg242Trp (NM_001308297.2); c.750+2412C>T (NM_012411.6); short protein forms R242W, R266W.
Identifiers: ClinVar variation 4085428 (VCV004085428.8).

ClinVar aggregate classification (germline): Uncertain significance (1 of 4 stars; one submission).

gnomAD v4.1: 12 of 1,610,884 alleles (0.00074%); highest among the groups gnomAD compares: African/African-American, 0.0027%; no homozygotes.

Submission:

CeGaT Center for Human Genetics Tuebingen
Classification: Uncertain significance. Last evaluated: 2025-08-01. Review status: criteria provided, single submitter. Criteria: CeGaT Center For Human Genetics Tuebingen Variant Classification Criteria Version 2. Collection method: clinical testing. Allele origin: germline. Affected: yes. Observed: 1 variant allele.
Comment: PTPN22: PM2, PP3, PS3:Supporting